The following is an entry in ClinVar:

ClinVar aggregate classification (germline): Likely pathogenic (1 of 4 stars; one submission).

Conditions:
Neurodevelopmental disorder with severe motor impairment and absent language. Also called: NEURODEVELOPMENTAL DISORDER WITH VARIABLE MOTOR AND LANGUAGE IMPAIRMENT. Identifiers: Orphanet 647788, MedGen C4540496, MONDO:0060622, OMIM 617804.

Submission:

3billion
Classification: Likely pathogenic for Neurodevelopmental disorder with severe motor impairment and absent language. Last evaluated: 2023-02-23. Review status: criteria provided, single submitter. Criteria: ACMG Guidelines, 2015. Collection method: clinical testing. Allele origin: unknown. Affected: yes.
Comment: The variant is not observed in the gnomAD v2.1.1 dataset. The variant is located in a mutational hot spot and/or well-established functional domain in which established pathogenic variants have been reported. Missense changes are a common disease-causing mechanism. In silico tool predictions suggest damaging effect of the variant on gene or gene product (REVEL: 0.98; 3Cnet: 0.90). A different missense change at the same codon (p.Arg782Trp) has been reported as pathogenic/likely pathogenic with strong evidence (ClinVar ID: VCV000375373). Therefore, this variant is classified as Likely pathogenic according to the recommendation of ACMG/AMP guideline.

NM_138615.3(DHX30):c.2345G>C (p.Arg782Pro)

Gene: DHX30 (DExH-box helicase 30; plus strand). Cytogenetic location: 3p21.31.
Variant type: single nucleotide variant.
Coding change: c.2345G>C on transcript NM_138615.3 (MANE Select); coding-DNA position 2345, G replaced by C.
Protein change: p.Arg782Pro; replaces arginine 782 with proline.
Molecular consequence: missense variant.
Genome position (GRCh38, 1-based): chr3:47,848,238, G>C. VCF-style: chr3-47848238-G-C. GRCh37 (hg19) VCF-style: chr3-47889728-G-C.
Other names: c.2261G>C, p.Arg754Pro (NM_001330990.2); c.2228G>C, p.Arg743Pro (NM_014966.4); short protein forms R743P, R754P, R782P.
Identifiers: ClinVar variation 2444127 (VCV002444127.1), dbSNP rs1559723511, ClinGen allele CA352590329.
Genomic context (GRCh38, chr3:47,848,238, plus strand): 5'-AGGTGTCCTGCCTGGAGACAGTGTGGGTATCAAGAGCCAATGTGATCCAGCGCCGGGGCC[G>C]GGCGGGCCGCTGCCAGTCCGGCTTTGCCTACCACTTGTTCCCTCGAAGCCGGCTGGAGAA-3'
Protein context (NP_619520.1, residues 772-792): SRANVIQRRG[Arg782Pro]AGRCQSGFAY